The following is an entry in ClinVar:

ClinVar aggregate classification (germline): Uncertain significance (1 of 4 stars; one submission).

Conditions:
Early-infantile DEE. Also called: Ohtahara syndrome; Early infantile epileptic encephalopathy; Early infantile epileptic encephalopathy with suppression bursts. Identifiers: Orphanet 1934, MedGen C0393706, MONDO:0800491.

Submission:

Labcorp Genetics (formerly Invitae), Labcorp
Classification: Uncertain significance for Early-infantile DEE. Last evaluated: 2023-08-16. Review status: criteria provided, single submitter. Criteria: Invitae Variant Classification Sherloc (09022015). Collection method: clinical testing. Allele origin: germline.
Comment: Advanced modeling of protein sequence and biophysical properties (such as structural, functional, and spatial information, amino acid conservation, physicochemical variation, residue mobility, and thermodynamic stability) performed at Invitae indicates that this missense variant is expected to disrupt SCN1A protein function. In summary, the available evidence is currently insufficient to determine the role of this variant in disease. Therefore, it has been classified as a Variant of Uncertain Significance. This variant has not been reported in the literature in individuals affected with SCN1A-related conditions. This variant is not present in population databases (gnomAD no frequency). This sequence change replaces leucine, which is neutral and non-polar, with proline, which is neutral and non-polar, at codon 1676 of the SCN1A protein (p.Leu1676Pro).

NM_001165963.4(SCN1A):c.5027T>C (p.Leu1676Pro)

Genes: SCN1A (sodium voltage-gated channel alpha subunit 1; minus strand), LOC102724058 (uncharacterized LOC102724058; plus strand). Cytogenetic location: 2q24.3.
Variant type: single nucleotide variant.
Coding change: c.5027T>C on transcript NM_001165963.4 (MANE Select); coding-DNA position 5027, T replaced by C.
Protein change: p.Leu1676Pro; replaces leucine 1676 with proline.
Molecular consequence: missense variant. On other transcripts: non-coding transcript variant (1).
Genome position (GRCh38, 1-based): chr2:165,992,248, A>G on the plus strand (T>C on the coding strand, the complement: SCN1A is on the minus strand). VCF-style: chr2-165992248-A-G. GRCh37 (hg19) VCF-style: chr2-166848758-A-G.
Other names: c.4994T>C, p.Leu1665Pro (NM_001353952.2, NM_006920.6, NM_001353949.2 and 2 more transcripts); c.4991T>C, p.Leu1664Pro (NM_001353954.2, NM_001353955.2); c.4943T>C, p.Leu1648Pro (NM_001353957.2, NM_001353958.2, NM_001165964.3); c.4940T>C, p.Leu1647Pro (NM_001353960.2); c.2585T>C, p.Leu862Pro (NM_001353961.2); c.5027T>C, p.Leu1676Pro (NM_001202435.3, NM_001353948.2); short protein forms L1664P, L1648P, L1676P, L1647P, L1665P, L862P.
Identifiers: ClinVar variation 2752872 (VCV002752872.3), dbSNP rs2468338751, ClinGen allele CA349069630.